The following is an entry in ClinVar:

NM_006019.4(TCIRG1):c.2343C>A (p.Ala781=)

Gene: TCIRG1 (T cell immune regulator 1, ATPase H+ transporting V0 subunit a3; plus strand). Cytogenetic location: 11q13.2.
Variant type: single nucleotide variant.
Coding change: c.2343C>A on transcript NM_006019.4 (MANE Select); coding-DNA position 2343, C replaced by A.
Protein change: p.Ala781=; no amino-acid change (alanine 781 retained).
Molecular consequence: synonymous variant.
Genome position (GRCh38, 1-based): chr11:68,050,593, C>A. VCF-style: chr11-68050593-C-A. GRCh37 (hg19) VCF-style: chr11-67818060-C-A.
Other names: c.1449C>A, p.Ala483= (NM_001351059.2); c.1695C>A, p.Ala565= (NM_006053.4).
Identifiers: ClinVar variation 2109225 (VCV002109225.4), dbSNP rs148233679, ClinGen allele CA475514473.

ClinVar aggregate classification (germline): Uncertain significance (1 of 4 stars; one submission).

Submission:

Labcorp Genetics (formerly Invitae), Labcorp
Classification: Uncertain significance. Last evaluated: 2022-03-11. Review status: criteria provided, single submitter. Criteria: Invitae Variant Classification Sherloc (09022015). Collection method: clinical testing. Allele origin: germline.
Comment: In summary, the available evidence is currently insufficient to determine the role of this variant in disease. Therefore, it has been classified as a Variant of Uncertain Significance. Algorithms developed to predict the effect of sequence changes on RNA splicing suggest that this variant may create or strengthen a splice site. This variant has not been reported in the literature in individuals affected with TCIRG1-related conditions. This variant is not present in population databases (gnomAD no frequency). This sequence change affects codon 781 of the TCIRG1 mRNA. It is a 'silent' change, meaning that it does not change the encoded amino acid sequence of the TCIRG1 protein.